The following is an entry in ClinVar:

ClinVar aggregate classification (germline): Uncertain significance (1 of 4 stars; one submission).

Conditions:
Hereditary cancer-predisposing syndrome. Also called: Tumor predisposition; Hereditary Cancer Syndrome; Neoplastic Syndromes, Hereditary; Hereditary neoplastic syndrome. Identifiers: Orphanet 140162, MedGen C0027672, MeSH D009386, MONDO:0015356.

Submission:

Color Diagnostics, LLC DBA Color Health
Classification: Uncertain significance for Hereditary cancer-predisposing syndrome. Last evaluated: 2025-09-08. Review status: criteria provided, single submitter. Criteria: ACMG Guidelines, 2015. Collection method: clinical testing. Allele origin: germline.
Comment: This missense variant replaces isoleucine with arginine at codon 1019 of the MSH6 protein. Computational prediction suggests that this variant may not impact protein structure and function. To our knowledge, functional studies have not been reported for this variant. This variant has not been reported in individuals affected with MSH6-related disorders in the literature. This variant has not been identified in the general population by the Genome Aggregation Database (gnomAD). The available evidence is insufficient to determine the role of this variant in disease conclusively. Therefore, this variant is classified as a Variant of Uncertain Significance.

NM_000179.3(MSH6):c.3056T>G (p.Ile1019Arg)

Gene: MSH6 (mutS homolog 6; plus strand). Cytogenetic location: 2p16.3.
Variant type: single nucleotide variant.
Coding change: c.3056T>G on transcript NM_000179.3 (MANE Select); coding-DNA position 3056, T replaced by G.
Protein change: p.Ile1019Arg; replaces isoleucine 1019 with arginine.
Molecular consequence: missense variant. On other transcripts: non-coding transcript variant (5), intron variant (2).
Genome position (GRCh38, 1-based): chr2:47,801,039, T>G. VCF-style: chr2-47801039-T-G. GRCh37 (hg19) VCF-style: chr2-48028178-T-G.
Other names: c.2666T>G, p.Ile889Arg (NM_001281492.2); c.2150T>G, p.Ile717Arg (NM_001281493.2, NM_001281494.2, NM_001406811.1 and 6 more transcripts); c.3152T>G, p.Ile1051Arg (NM_001406795.1, NM_001406802.1); c.3056T>G, p.Ile1019Arg (NM_001406796.1, NM_001406798.1, NM_001406800.1 and 2 more transcripts); c.2759T>G, p.Ile920Arg (NM_001406797.1, NM_001406801.1, NM_001406805.1 and 10 more transcripts); c.2531T>G, p.Ile844Arg (NM_001406799.1, NM_001406806.1, NM_001406807.1); c.2978T>G, p.Ile993Arg (NM_001406804.1); c.3062T>G, p.Ile1021Arg (NM_001406813.1); and 4 more; short protein forms I1019R, I1021R, I1051R, I334R, I717R, I844R, I889R, I920R.
Identifiers: ClinVar variation 4756336 (VCV004756336.1).